The following is an entry in ClinVar:

ClinVar aggregate classification (germline): Likely pathogenic (1 of 4 stars; one submission).

Conditions:
Deficiency of steroid 11-beta-monooxygenase (CYP11B1). Also called: P450C11B1 DEFICIENCY; STEROID 11-BETA-HYDROXYLASE DEFICIENCY; Congenital adrenal hyperplasia due to 11-beta-hydroxylase deficiency; ADRENAL HYPERPLASIA, CONGENITAL, DUE TO STEROID 11-BETA-HYDROXYLASE DEFICIENCY; 11-BETA-HYDROXYLASE DEFICIENCY; ADRENAL HYPERPLASIA IV. Identifiers: Orphanet 90795, MedGen C0268292, MONDO:0008729, OMIM 202010. Disease mechanism: loss of function.

Submission:

Myriad Genetics, Inc.
Classification: Likely pathogenic for Deficiency of steroid 11-beta-monooxygenase. Last evaluated: 2021-12-09. Review status: criteria provided, single submitter. Criteria: Myriad Women's Health Autosomal Recessive and X-Linked Classification Criteria (2021). Collection method: clinical testing. Allele origin: unknown.
Comment: NM_000497.3(CYP11B1):c.663_664delGA(N222Lfs*36) is expected to be pathogenic in the context of congenital adrenal hyperplasia, CYP11B1-related. This variant is predicted to lead to an abnormal or absent protein product due to the creation of a premature termination codon in CYP11B1, a gene where loss-of-function variants are known to be pathogenic. Please note: this variant was assessed in the context of healthy population screening.

NM_000497.4(CYP11B1):c.663_664del (p.Asn222fs)

Genes: CYP11B1 (cytochrome P450 family 11 subfamily B member 1; minus strand), LOC106799833 (CYP11B1 recombination region; plus strand). Cytogenetic location: 8q24.3.
Variant type: Deletion.
Coding change: c.663_664del on transcript NM_000497.4 (MANE Select); coding-DNA positions 663 to 664, 2 bases deleted (GA; older notation c.663_664delGA).
Protein change: p.Asn222fs; shifts the reading frame from asparagine 222.
Molecular consequence: frameshift variant.
Genome position (GRCh38, 1-based): chr8:142,876,817-142,876,818, TC deleted on the plus strand (GA on the coding strand, the reverse complement: CYP11B1 is on the minus strand). VCF-style (leftmost placement, unchanged base first): chr8-142876816-TTC-T. GRCh37 (hg19) VCF-style: chr8-143958232-TTC-T.
Other names: c.663_664del, p.Asn222fs (NM_001026213.1); short protein forms N222fs.
Identifiers: ClinVar variation 1726232 (VCV001726232.2), dbSNP rs2488678202, ClinGen allele CA2580078672.